The following is an entry in ClinVar:

ClinVar aggregate classification (germline): Pathogenic (1 of 4 stars; one submission).

Conditions:
Familial thoracic aortic aneurysm and aortic dissection (TAAD). Also called: Thoracic aortic aneurysms and dissections. Identifiers: Orphanet 91387, MedGen C4707243, MONDO:0019625.

Submission:

Centre of Medical Genetics, University of Antwerp
Classification: Pathogenic for Familial thoracic aortic aneurysm and aortic dissection. Last evaluated: 2024-09-06. Review status: criteria provided, single submitter. Criteria: ACMG Guidelines, 2015. Collection method: clinical testing. Allele origin: germline. Affected: yes.
Comment: P(PVS1; PM2; PP4)

NM_000138.5(FBN1):c.3986_4004del (p.Gly1329fs)

Gene: FBN1 (fibrillin 1; minus strand). Cytogenetic location: 15q21.1.
Variant type: Deletion.
Coding change: c.3986_4004del on transcript NM_000138.5 (MANE Select); coding-DNA positions 3986 to 4004, 19 bases deleted (GAGCACACAACTGTGGCAA).
Protein change: p.Gly1329fs; shifts the reading frame from glycine 1329.
Molecular consequence: frameshift variant.
Genome position (GRCh38, 1-based): chr15:48,474,611-48,474,629, TTGCCACAGTTGTGTGCTC deleted on the plus strand (GAGCACACAACTGTGGCAA on the coding strand, the reverse complement: FBN1 is on the minus strand). VCF-style (leftmost placement, unchanged base first): chr15-48474610-TTTGCCACAGTTGTGTGCTC-T. GRCh37 (hg19) VCF-style: chr15-48766807-TTTGCCACAGTTGTGTGCTC-T.
Other names: c.3986_4004del, p.Gly1329fs (NM_001406716.1); short protein forms G1329fs.
Identifiers: ClinVar variation 4820008 (VCV004820008.1).